The following is an entry in ClinVar:

ClinVar aggregate classification (germline): Uncertain significance (1 of 4 stars; one submission).

Submission:

Women's Health and Genetics/Laboratory Corporation of America, LabCorp
Classification: Uncertain significance. Last evaluated: 2026-03-17. Review status: criteria provided, single submitter. Criteria: LabCorp Variant Classification Summary - May 2015. Collection method: clinical testing. Allele origin: germline.
Comment: Variant summary: PIEZO1 c.7054A>C (p.Ile2352Leu) results in a conservative amino acid change in the encoded protein sequence. Algorithms developed to predict the effect of missense changes on protein structure and function are either unavailable or do not agree on the potential impact of this missense change. The frequency data for this variant in gnomAD is considered unreliable, as metrics indicate poor data quality at this position. To our knowledge, no occurrence of c.7054A>C in individuals affected with PIEZO1-related conditions and no experimental evidence demonstrating its impact on protein function have been reported. No submitters have cited clinical-significance assessments for this variant to ClinVar. Based on the evidence outlined above, the variant was classified as uncertain significance.

NM_001142864.4(PIEZO1):c.7054A>C (p.Ile2352Leu)

Gene: PIEZO1 (piezo type mechanosensitive ion channel component 1 (Er blood group); minus strand). Cytogenetic location: 16q24.3.
Variant type: single nucleotide variant.
Coding change: c.7054A>C on transcript NM_001142864.4 (MANE Select); coding-DNA position 7054, A replaced by C.
Protein change: p.Ile2352Leu; replaces isoleucine 2352 with leucine.
Molecular consequence: missense variant.
Genome position (GRCh38, 1-based): chr16:88,716,273, T>G on the plus strand (A>C on the coding strand, the complement: PIEZO1 is on the minus strand). VCF-style: chr16-88716273-T-G. GRCh37 (hg19) VCF-style: chr16-88782681-T-G.
Other names: short protein forms I2352L.
Identifiers: ClinVar variation 4847145 (VCV004847145.1).
Genomic context (GRCh38, chr16:88,716,273, plus strand): 5'-TCACAGGGTTGGCTTCGGGCCCGTTGGGGGCACGGATGTACTTGGGGAAGAGATTAGGGA[T>G]GACCCTGCAGGGAGGTGCTGGCAGGTCAGGCCTGGCCCAGCCAACCTGGCACAGCCCTCC-3'
Protein context (NP_001136336.2, residues 2342-2362): LEGTSDQSVV[Ile2352Leu]PNLFPKYIRA